The following is an entry in ClinVar:

NM_080680.3(COL11A2):c.2116-14_2116-10del

Gene: COL11A2 (collagen type XI alpha 2 chain; minus strand). Cytogenetic location: 6p21.32.
Variant type: Deletion.
Coding change: c.2116-14_2116-10del on transcript NM_080680.3 (MANE Select); 14 bases into the intron before coding-DNA position 2116 through 10 bases into the intron before coding-DNA position 2116, 5 bases deleted (CTTTT; older notation c.2116-14_2116-10delCTTTT).
Molecular consequence: intron variant.
Genome position (GRCh38, 1-based): chr6:33,176,496-33,176,500, AAAAG deleted on the plus strand (CTTTT on the coding strand, the reverse complement: COL11A2 is on the minus strand); deleting any 5 consecutive bases within chr6:33,176,496-33,176,501 gives the same sequence; the c. name uses the placement nearest the transcript's 3' end. VCF-style (leftmost placement, unchanged base first): chr6-33176495-TAAAAG-T. GRCh37 (hg19) VCF-style: chr6-33144272-TAAAAG-T.
Other names: c.1795-14_1795-10del (NM_080679.3); c.1858-14_1858-10del (NM_080681.3); c.2116-14_2116-10delCTTTT (NM_080680.3).
Identifiers: ClinVar variation 2028007 (VCV002028007.5), dbSNP rs758084141, ClinGen allele CA3751032.

ClinVar aggregate classification (germline): Likely benign. Review status: criteria provided, multiple submitters, no conflicts (2 of 4 stars). 2 submissions from 2 submitters: Likely benign (2). Last evaluated 2026-05-21.

Submissions (2):

Women's Health and Genetics/Laboratory Corporation of America, LabCorp
Classification: Likely benign. Last evaluated: 2026-05-21. Review status: criteria provided, single submitter. Criteria: LabCorp Variant Classification Summary - May 2015. Collection method: clinical testing. Allele origin: germline.
Comment: Variant summary: COL11A2 c.2116-14_2116-10delCTTTT alters a nucleotide located at a position not widely known to affect splicing. Consensus agreement among computation tools predict no significant impact on normal splicing. However, these predictions have yet to be confirmed by functional studies. The variant allele was found at a frequency of 8.1e-06 in 246076 control chromosomes. The available data on variant occurrences in the general population are insufficient to allow any conclusion about variant significance. To our knowledge, no occurrence of c.2116-14_2116-10delCTTTT in individuals affected with COL11A2-related conditions and no experimental evidence demonstrating its impact on protein function have been reported. ClinVar contains an entry for this variant (Variation ID: 2028007). Based on the evidence outlined above, the variant was classified as likely benign.

Labcorp Genetics (formerly Invitae), Labcorp
Classification: Likely benign. Last evaluated: 2025-02-20. Review status: criteria provided, single submitter. Criteria: Invitae Variant Classification Sherloc (09022015). Collection method: clinical testing. Allele origin: germline.